The following is an entry in ClinVar:

NM_024915.4(GRHL2):c.373T>G (p.Ser125Ala)

Gene: GRHL2 (grainyhead like transcription factor 2; plus strand). Cytogenetic location: 8q22.3.
Variant type: single nucleotide variant.
Coding change: c.373T>G on transcript NM_024915.4 (MANE Select); coding-DNA position 373, T replaced by G.
Protein change: p.Ser125Ala; replaces serine 125 with alanine.
Molecular consequence: missense variant.
Genome position (GRCh38, 1-based): chr8:101,558,507, T>G. VCF-style: chr8-101558507-T-G. GRCh37 (hg19) VCF-style: chr8-102570735-T-G.
Other names: c.325T>G, p.Ser109Ala (NM_001330593.2); short protein forms S125A, S109A.
Identifiers: ClinVar variation 46219 (VCV000046219.4), dbSNP rs145518215, ClinGen allele CA137897.

ClinVar aggregate classification (germline): Likely benign (1 of 4 stars; one submission).

Allele frequency attached by ClinVar (database versions not stated): gnomAD exomes below 0.00001 and 0.00001; gnomAD 0.00001; TOPMed 0.00001; ExAC 0.00002; ESP Exome Variant Server 0.00015.
gnomAD v4.1: 6 of 1,613,942 alleles (0.00037%); highest among the groups gnomAD compares: African/African-American, 0.0013%; no homozygotes.

Submission:

Laboratory for Molecular Medicine, Mass General Brigham Personalized Medicine
Classification: Likely benign. Last evaluated: 2012-12-11. Review status: criteria provided, single submitter. Criteria: LMM Criteria. Collection method: clinical testing. Allele origin: germline. Observed: 1 variant allele.
Comment: Ser125Ala in Exon 4 of GRHL2: This variant has been identified in 0.02% (1/4406) of African American chromosomes in a broad population by the NHLBI Exome sequen cing project (dbSNP rs145518215); however, th is frequency is not high enough to rule out a pathogenic role. Computational ana lyses (biochemical amino acid properties, conservation, AlignGVGD, PolyPhen2, an d SIFT) suggest that the Ser125Ala variant is not likely to impact the protein, in part due to the fact that the Ser125 residue is not conserved in mammals (thr ee have a cysteine despite nearby conservation). These data, combined with ident ification of this variant in a family without dominant hearing loss, the known i nheritance pattern for pathogenic variants in this gene, suggests that this vari ant is more likely benign.